The following is an entry in ClinVar:

ClinVar aggregate classification (germline): Uncertain significance (1 of 4 stars; one submission).

Conditions:
Leigh syndrome (NULS). Also called: Leigh's necrotizing encephalopathy; Leigh's disease; Leigh Syndrome (mtDNA deletion); Leigh Disease; Subacute necrotizing encephalopathy; Necrotizing encephalopathy infantile subacute of Leigh. Identifiers: Orphanet 506, MedGen C2931891, MONDO:0009723, OMIM 256000.

Submission:

Wong Mito Lab, Molecular and Human Genetics, Baylor College of Medicine
Classification: Uncertain significance for Leigh syndrome. Last evaluated: 2019-10-17. Review status: criteria provided, single submitter. Criteria: Modified ACMG Guidelines (Unpublished). Collection method: clinical testing. Allele origin: germline.
Comment: The NC_012920.1:m.5301A>C (YP_003024027.1:p.Ile278Leu) variant in MTND2 gene is interpretated to be a Uncertain Significance variant based on the modified ACMG guidelines (unpublished). This variant meets the following evidence codes: PP4, PP6, BP4

NC_012920.1(MT-ND2):m.5301A>C

Gene: MT-ND2 (mitochondrially encoded NADH dehydrogenase 2; plus strand).
Variant type: single nucleotide variant.
Genome position: chrM-5301-A-C.
Identifiers: ClinVar variation 692573 (VCV000692573.1), dbSNP rs199794187, ClinGen allele CA414779742.